The following is an entry in ClinVar:

NM_001961.4(EEF2):c.278A>G (p.Lys93Arg)

Gene: EEF2 (eukaryotic translation elongation factor 2; minus strand). Cytogenetic location: 19p13.3.
Variant type: single nucleotide variant.
Coding change: c.278A>G on transcript NM_001961.4 (MANE Select); coding-DNA position 278, A replaced by G.
Protein change: p.Lys93Arg; replaces lysine 93 with arginine.
Molecular consequence: missense variant.
Genome position (GRCh38, 1-based): chr19:3,983,232, T>C on the plus strand (A>G on the coding strand, the complement: EEF2 is on the minus strand). VCF-style: chr19-3983232-T-C. GRCh37 (hg19) VCF-style: chr19-3983230-T-C.
Other names: short protein forms K93R.
Identifiers: ClinVar variation 1684706 (VCV001684706.4), dbSNP rs922729998, ClinGen allele CA304445077.

ClinVar aggregate classification (germline): Uncertain significance. Review status: criteria provided, multiple submitters, no conflicts (2 of 4 stars). 2 submissions from 2 submitters: Uncertain significance (2). Last evaluated 2024-12-16.

Allele frequency attached by ClinVar (database versions not stated): gnomAD 0.00001; gnomAD exomes 0.00001; TOPMed 0.00002.
gnomAD v4.1: 15 of 1,613,814 alleles (0.00093%); highest among the groups gnomAD compares: Admixed American, 0.0033%; no homozygotes.

Submissions (2):

Labcorp Genetics (formerly Invitae), Labcorp
Classification: Uncertain significance. Last evaluated: 2024-12-16. Review status: criteria provided, single submitter. Criteria: Invitae Variant Classification Sherloc (09022015). Collection method: clinical testing. Allele origin: germline.
Comment: This sequence change replaces lysine, which is basic and polar, with arginine, which is basic and polar, at codon 93 of the EEF2 protein (p.Lys93Arg). This variant is not present in population databases (gnomAD no frequency). This missense change has been observed in individual(s) with ataxia (PMID: 33956305). ClinVar contains an entry for this variant (Variation ID: 1684706). Invitae Evidence Modeling of protein sequence and biophysical properties (such as structural, functional, and spatial information, amino acid conservation, physicochemical variation, residue mobility, and thermodynamic stability) indicates that this missense variant is not expected to disrupt EEF2 protein function with a negative predictive value of 80%. In summary, the available evidence is currently insufficient to determine the role of this variant in disease. Therefore, it has been classified as a Variant of Uncertain Significance.

Mendelics
Classification: Uncertain significance. Last evaluated: 2022-05-04. Review status: criteria provided, single submitter. Criteria: Mendelics Assertion Criteria 2019. Collection method: clinical testing. Allele origin: germline.

Literature cited by the submitters: PubMed 33956305 (cited by Labcorp Genetics (formerly Invitae), Labcorp).